The following is an entry in ClinVar:

NM_001735.3(C5):c.260T>G (p.Ile87Arg)

Gene: C5 (complement C5; minus strand). Cytogenetic location: 9q33.2.
Variant type: single nucleotide variant.
Coding change: c.260T>G on transcript NM_001735.3 (MANE Select); coding-DNA position 260, T replaced by G.
Protein change: p.Ile87Arg; replaces isoleucine 87 with arginine.
Molecular consequence: missense variant.
Genome position (GRCh38, 1-based): chr9:121,043,165, A>C on the plus strand (T>G on the coding strand, the complement: C5 is on the minus strand). VCF-style: chr9-121043165-A-C. GRCh37 (hg19) VCF-style: chr9-123805443-A-C.
Other names: c.278T>G, p.Ile93Arg (NM_001317163.2); c.260T>G, p.Ile87Arg (NM_001317164.2); short protein forms I87R, I93R.
Identifiers: ClinVar variation 2075714 (VCV002075714.4), dbSNP rs2540458621, ClinGen allele CA374730340.

ClinVar aggregate classification (germline): Uncertain significance (1 of 4 stars; one submission).

Submission:

Labcorp Genetics (formerly Invitae), Labcorp
Classification: Uncertain significance. Last evaluated: 2022-04-28. Review status: criteria provided, single submitter. Criteria: Invitae Variant Classification Sherloc (09022015). Collection method: clinical testing. Allele origin: germline.
Comment: This sequence change replaces isoleucine, which is neutral and non-polar, with arginine, which is basic and polar, at codon 87 of the C5 protein (p.Ile87Arg). This variant is not present in population databases (gnomAD no frequency). This variant has not been reported in the literature in individuals affected with C5-related conditions. Algorithms developed to predict the effect of missense changes on protein structure and function are either unavailable or do not agree on the potential impact of this missense change (SIFT: "Deleterious"; PolyPhen-2: "Possibly Damaging"; Align-GVGD: "Class C0"). In summary, the available evidence is currently insufficient to determine the role of this variant in disease. Therefore, it has been classified as a Variant of Uncertain Significance.